The following is an entry in ClinVar:

NM_017721.5(CC2D1A):c.252G>A (p.Pro84=)

Gene: CC2D1A (coiled-coil and C2 domain containing 1A; plus strand). Cytogenetic location: 19p13.12.
Variant type: single nucleotide variant.
Coding change: c.252G>A on transcript NM_017721.5 (MANE Select); coding-DNA position 252, G replaced by A.
Protein change: p.Pro84=; no amino-acid change (proline 84 retained).
Molecular consequence: synonymous variant.
Genome position (GRCh38, 1-based): chr19:13,912,378, G>A. VCF-style: chr19-13912378-G-A. GRCh37 (hg19) VCF-style: chr19-14023191-G-A.
Identifiers: ClinVar variation 128620 (VCV000128620.14), dbSNP rs7250180, ClinGen allele CA152198.

ClinVar aggregate classification (germline): Benign. Review status: criteria provided, multiple submitters, no conflicts (2 of 4 stars). 4 submissions from 4 submitters: Benign (3). 1 of the submissions does not count toward it. Last evaluated 2026-02-02.

Conditions:
Inborn genetic diseases. Identifiers: MedGen C0950123, MeSH D030342.

Allele frequency attached by ClinVar (database versions not stated): 1000 Genomes Project 0.09585; 1000 Genomes Project 30x 0.10275; gnomAD exomes 0.01012 and 0.02467; ExAC 0.03321; gnomAD 0.08862 and 0.09465; ESP Exome Variant Server 0.09501; TOPMed 0.10003.
gnomAD v4.1: 28,877 of 1,613,230 alleles (1.8%); highest among the groups gnomAD compares: African/African-American, 30%; 3,645 homozygotes.

Submissions (4):

Labcorp Genetics (formerly Invitae), Labcorp
Classification: Benign. Last evaluated: 2026-02-02. Review status: criteria provided, single submitter. Criteria: Invitae Variant Classification Sherloc (09022015). Collection method: clinical testing. Allele origin: germline.

Ambry Genetics
Classification: Benign for Inborn genetic diseases. Last evaluated: 2016-03-11. Review status: criteria provided, single submitter. Criteria: Ambry Variant Classification Scheme 2023. Collection method: clinical testing. Allele origin: germline.

Breakthrough Genomics
Classification: Benign. Review status: criteria provided, single submitter. Criteria: ACMG Guidelines, 2015. Collection method: not provided. Allele origin: germline. Inheritance: Autosomal recessive inheritance. Affected: yes.

Genetic Services Laboratory, University of Chicago
Classification: Likely benign for AllHighlyPenetrant. Review status: no assertion criteria provided. Collection method: clinical testing. Allele origin: germline. Inheritance: Autosomal recessive inheritance. Not counted in ClinVar's aggregate classification.
Comment: Likely benign based on allele frequency in 1000 Genomes Project or ESP global frequency and its presence in a patient with a rare or unrelated disease phenotype. NOT Sanger confirmed.